The following is an entry in ClinVar:

NM_020884.7(MYH7B):c.369C>T (p.Thr123=)

Gene: MYH7B (myosin heavy chain 7B; plus strand). Cytogenetic location: 20q11.22.
Variant type: single nucleotide variant.
Coding change: c.369C>T on transcript NM_020884.7 (MANE Select); coding-DNA position 369, C replaced by T.
Protein change: p.Thr123=; no amino-acid change (threonine 123 retained).
Molecular consequence: synonymous variant.
Genome position (GRCh38, 1-based): chr20:34,980,604, C>T. VCF-style: chr20-34980604-C-T. GRCh37 (hg19) VCF-style: chr20-33568407-C-T.
Other names: c.495C>T (NM_020884.4).
Identifiers: ClinVar variation 1606810 (VCV001606810.11), dbSNP rs202099296, ClinGen allele CA9826418.
Genomic context (GRCh38, chr20:34,980,604, plus strand): 5'-AACAACATAAACCCTACCTATACTCTCTCTTCAGACCTACTCAGGCCTCTTCTGTGTCAC[C>T]ATCAACCCCTACAAATGGCTCCCAGTCTATACGGCCTCCGTAGTGGCTGCTTACAAGGGA-3'
Protein context (NP_065935.4, residues 113-133): IYTYSGLFCV[Thr123=]INPYKWLPVY

ClinVar aggregate classification (germline): Benign. Review status: criteria provided, multiple submitters, no conflicts (2 of 4 stars). 3 submissions from 3 submitters: Benign (2). 1 of the submissions does not count toward it. Last evaluated 2026-01-20.

Conditions:
MYH7B-related disorder. Also called: MYH7B-related condition.

Allele frequency attached by ClinVar (database versions not stated): gnomAD 0.00011 and 0.00165; ESP Exome Variant Server 0.00015; TOPMed 0.00037; gnomAD exomes 0.00247 and 0.00524; ExAC 0.00617; 1000 Genomes Project 30x 0.01171; 1000 Genomes Project 0.01338.
gnomAD v4.1: 3,926 of 1,614,132 alleles (0.24%); highest among the groups gnomAD compares: South Asian, 4%; 106 homozygotes.

Submissions (3):

Labcorp Genetics (formerly Invitae), Labcorp
Classification: Benign. Last evaluated: 2026-01-20. Review status: criteria provided, single submitter. Criteria: Invitae Variant Classification Sherloc (09022015). Collection method: clinical testing. Allele origin: germline.

Breakthrough Genomics
Classification: Benign. Review status: criteria provided, single submitter. Criteria: ACMG Guidelines, 2015. Collection method: not provided. Allele origin: germline. Inheritance: Unknown mechanism. Affected: yes.

PreventionGenetics, part of Exact Sciences
Classification: Benign for MYH7B-related condition. Last evaluated: 2024-05-19. Review status: no assertion criteria provided. Collection method: clinical testing. Allele origin: germline. Not counted in ClinVar's aggregate classification.
Comment: This variant is classified as benign based on ACMG/AMP sequence variant interpretation guidelines (Richards et al. 2015 PMID: 25741868, with internal and published modifications).